The following is an entry in ClinVar:

NM_024857.5(ATAD5):c.1727A>C (p.Gln576Pro)

Gene: ATAD5 (ATPase family AAA domain containing 5; plus strand). Cytogenetic location: 17q11.2.
Variant type: single nucleotide variant.
Coding change: c.1727A>C on transcript NM_024857.5 (MANE Select); coding-DNA position 1727, A replaced by C.
Protein change: p.Gln576Pro; replaces glutamine 576 with proline.
Molecular consequence: missense variant.
Genome position (GRCh38, 1-based): chr17:30,835,808, A>C. VCF-style: chr17-30835808-A-C. GRCh37 (hg19) VCF-style: chr17-29162826-A-C.
Other names: c.1727A>C (NM_024857.3); short protein forms Q576P.
Identifiers: ClinVar variation 3054877 (VCV003054877.3), dbSNP rs143213149, ClinGen allele CA8483673.
Genomic context (GRCh38, chr17:30,835,808, plus strand): 5'-GTAACAATAATAAATTGTCAAGAAAAACCAGCATACCAGTTAAAGATATTAAGCTTACAC[A>C]GTCTAAAGCTGAATCTGAAGCCAGCTTGCTAAATGTTTCCACGCCCAAGTCAACTAGAAG-3'
Protein context (NP_079133.3, residues 566-586): SIPVKDIKLT[Gln576Pro]SKAESEASLL

ClinVar aggregate classification (germline): Uncertain significance. Review status: criteria provided, single submitter (1 of 4 stars). 2 submissions from 2 submitters: Uncertain significance (1). 1 of the submissions does not count toward it. Last evaluated 2024-08-11.

Conditions:
ATAD5-related disorder. Also called: ATAD5-related condition.

Allele frequency attached by ClinVar (database versions not stated): gnomAD exomes 0.00005; ExAC 0.00016; gnomAD 0.00052; TOPMed 0.00058; ESP Exome Variant Server 0.00069; 1000 Genomes Project 30x 0.00094; 1000 Genomes Project 0.00100.
gnomAD v4.1: 152 of 1,612,224 alleles (0.0094%); highest among the groups gnomAD compares: African/African-American, 0.15%; no homozygotes.

Submissions (2):

Ambry Genetics
Classification: Uncertain significance. Last evaluated: 2024-08-11. Review status: criteria provided, single submitter. Criteria: Ambry Variant Classification Scheme 2023. Collection method: clinical testing. Allele origin: germline.

PreventionGenetics, part of Exact Sciences
Classification: Likely benign for ATAD5-related condition. Last evaluated: 2023-02-28. Review status: no assertion criteria provided. Collection method: clinical testing. Allele origin: germline. Not counted in ClinVar's aggregate classification.
Comment: This variant is classified as likely benign based on ACMG/AMP sequence variant interpretation guidelines (Richards et al. 2015 PMID: 25741868, with internal and published modifications).